The following is an entry in ClinVar:

ClinVar aggregate classification (germline): Uncertain significance (1 of 4 stars; one submission).

Conditions:
Facioscapulohumeral muscular dystrophy 2 (FSHD2). Also called: MUSCULAR DYSTROPHY, FACIOSCAPULOHUMERAL, TYPE 1B; FACIOSCAPULOHUMERAL MUSCULAR DYSTROPHY 2, DIGENIC; FSHD2, DIGENIC. Identifiers: Orphanet 269, MedGen C1834671, MONDO:0008031, OMIM 158901.

Allele frequency attached by ClinVar (database versions not stated): gnomAD exomes below 0.00001; ExAC 0.00001.
gnomAD v4.1: 2 of 1,611,928 alleles (0.00012%); highest among the groups gnomAD compares: South Asian, 0.0011%; no homozygotes.

Submission:

Labcorp Genetics (formerly Invitae), Labcorp
Classification: Uncertain significance for Facioscapulohumeral muscular dystrophy 2. Last evaluated: 2022-07-19. Review status: criteria provided, single submitter. Criteria: Invitae Variant Classification Sherloc (09022015). Collection method: clinical testing. Allele origin: germline.
Comment: This sequence change replaces glutamine, which is neutral and polar, with arginine, which is basic and polar, at codon 1342 of the SMCHD1 protein (p.Gln1342Arg). In summary, the available evidence is currently insufficient to determine the role of this variant in disease. Therefore, it has been classified as a Variant of Uncertain Significance. Algorithms developed to predict the effect of missense changes on protein structure and function (SIFT, PolyPhen-2, Align-GVGD) all suggest that this variant is likely to be tolerated. ClinVar contains an entry for this variant (Variation ID: 1358631). This variant has not been reported in the literature in individuals affected with SMCHD1-related conditions. This variant is present in population databases (rs775109874, gnomAD no frequency).

NM_015295.3(SMCHD1):c.4025A>G (p.Gln1342Arg)

Gene: SMCHD1 (structural maintenance of chromosomes flexible hinge domain containing 1; plus strand). Cytogenetic location: 18p11.32.
Variant type: single nucleotide variant.
Coding change: c.4025A>G on transcript NM_015295.3 (MANE Select); coding-DNA position 4025, A replaced by G.
Protein change: p.Gln1342Arg; replaces glutamine 1342 with arginine.
Molecular consequence: missense variant.
Genome position (GRCh38, 1-based): chr18:2,750,367, A>G. VCF-style: chr18-2750367-A-G. GRCh37 (hg19) VCF-style: chr18-2750365-A-G.
Other names: short protein forms Q1342R.
Identifiers: ClinVar variation 1358631 (VCV001358631.6), dbSNP rs775109874, ClinGen allele CA8871372.
Genomic context (GRCh38, chr18:2,750,367, plus strand): 5'-TAACTAATGTAATTTGAACCCCTCTCCTCTTTTGTTTTGTTAGGGGAGAGCATACTCTTC[A>G]GGTTAAAGCCATCTATAACAAAAGTATCATAGAAGGACCTATAATTAAGTTAATGATTCT-3'
Protein context (NP_056110.2, residues 1332-1352): VFAPRGEHTL[Gln1342Arg]VKAIYNKSII